The following is an entry in ClinVar:

ClinVar aggregate classification (germline): Likely benign. Review status: criteria provided, single submitter (1 of 4 stars). 2 submissions from 2 submitters: Likely benign (1). 1 of the submissions does not count toward it. Last evaluated 2026-09-01.

Conditions:
RFX7-related disorder. Also called: RFX7-related condition.

Allele frequency attached by ClinVar (database versions not stated): ESP Exome Variant Server 0.00024; TOPMed 0.00036; gnomAD 0.00039; gnomAD exomes 0.00052; ExAC 0.00067.
gnomAD v4.1: 825 of 1,613,746 alleles (0.051%); highest among the groups gnomAD compares: Middle Eastern, 0.21%; 3 homozygotes.

Submissions (2):

CeGaT Center for Human Genetics Tuebingen
Classification: Likely benign. Last evaluated: 2026-09-01. Review status: criteria provided, single submitter. Criteria: CeGaT Center For Human Genetics Tuebingen Variant Classification Criteria Version 2. Collection method: clinical testing. Allele origin: germline. Affected: yes. Observed: 5 variant alleles.
Comment: RFX7: BS1

PreventionGenetics, part of Exact Sciences
Classification: Likely benign for RFX7-related condition. Last evaluated: 2022-07-29. Review status: no assertion criteria provided. Collection method: clinical testing. Allele origin: germline. Not counted in ClinVar's aggregate classification.
Comment: This variant is classified as likely benign based on ACMG/AMP sequence variant interpretation guidelines (Richards et al. 2015 PMID: 25741868, with internal and published modifications).

NM_022841.7(RFX7):c.2700G>T (p.Met900Ile)

Gene: RFX7 (regulatory factor X7; minus strand). Cytogenetic location: 15q21.3.
Variant type: single nucleotide variant.
Coding change: c.2700G>T on transcript NM_022841.7 (MANE Select); coding-DNA position 2700, G replaced by T.
Protein change: p.Met900Ile; replaces methionine 900 with isoleucine.
Molecular consequence: missense variant.
Genome position (GRCh38, 1-based): chr15:56,095,028, C>A on the plus strand (G>T on the coding strand, the complement: RFX7 is on the minus strand). VCF-style: chr15-56095028-C-A. GRCh37 (hg19) VCF-style: chr15-56387226-C-A.
Other names: c.2409G>T, p.Met803Ile (NM_001368073.2, NM_001368074.1, NM_001370554.1); c.2700G>T, p.Met900Ile (NM_001370561.1); short protein forms M803I, M900I.
Identifiers: ClinVar variation 3046313 (VCV003046313.17), dbSNP rs199811341, ClinGen allele CA7578085.